The following is an entry in ClinVar:

NM_032279.4(ATP13A4):c.1938A>T (p.Glu646Asp)

Gene: ATP13A4 (ATPase 13A4; minus strand). Cytogenetic location: 3q29.
Variant type: single nucleotide variant.
Coding change: c.1938A>T on transcript NM_032279.4 (MANE Select); coding-DNA position 1938, A replaced by T.
Protein change: p.Glu646Asp; replaces glutamic acid 646 with aspartic acid.
Molecular consequence: missense variant.
Genome position (GRCh38, 1-based): chr3:193,454,190, T>A on the plus strand (A>T on the coding strand, the complement: ATP13A4 is on the minus strand). VCF-style: chr3-193454190-T-A. GRCh37 (hg19) VCF-style: chr3-193171979-T-A.
Other names: NC_000003.11:g.193171979T>A; c.1938A>T (NM_032279.3); short protein forms E646D.
Identifiers: ClinVar variation 979154 (VCV000979154.5), dbSNP rs35424709, ClinGen allele CA2758223.
Genomic context (GRCh38, chr3:193,454,190, plus strand): 5'-TTCCAGCTTCTTGTAGGCCAGTGCTATGACTCGGAAGCCCTGTGTCGTGTAAATCTGAAG[T>A]TCGCTAACAAAACTAGTGGGTACTGTTTAGAAAGAAACACAGGGTTAGTACGCAGTTATT-3'
Protein context (NP_115655.2, residues 636-656): PETVPTSFVS[Glu646Asp]LQIYTTQGFR

ClinVar aggregate classification (germline): Benign. Review status: criteria provided, multiple submitters, no conflicts (2 of 4 stars). 3 submissions from 3 submitters: Benign (2). 1 of the submissions does not count toward it.

Conditions:
ATP13A4-related disorder. Also called: ATP13A4-related condition.
Central core myopathy (CMYO1A). Also called: Central core disease; Myopathy, central fibrillar; CONGENITAL MYOPATHY 1A, AUTOSOMAL DOMINANT, WITH SUSCEPTIBILITY TO MALIGNANT HYPERTHERMIA. Identifiers: Orphanet 597, MedGen C5830701, MONDO:0007294, OMIM 117000.

Allele frequency attached by ClinVar (database versions not stated): 1000 Genomes Project 0.05731; gnomAD 0.07775 and 0.07782; ESP Exome Variant Server 0.08142; ExAC 0.08552; gnomAD exomes 0.08567 and 0.10449; 1000 Genomes Project 30x 0.05684; TOPMed 0.07304.
gnomAD v4.1: 164,089 of 1,612,600 alleles (10%); highest among the groups gnomAD compares: Non-Finnish European, 11%; 9,015 homozygotes.

Submissions (7):

Breakthrough Genomics
Classification: Benign. Review status: criteria provided, single submitter. Criteria: ACMG Guidelines, 2015. Collection method: not provided. Allele origin: germline. Inheritance: Unknown mechanism. Affected: yes.

Broad Center for Mendelian Genomics, Broad Institute of MIT and Harvard
Classification: Benign for Central core myopathy. Review status: criteria provided, single submitter. Criteria: ACMG Guidelines, 2015. Collection method: research. Allele origin: germline. Affected: yes.
Comment: The p.Glu646Asp variant in ATP13A4 has been identified in 6 individuals with autism spectrum disorder (PMID: 15925480). However, this variant is classified as benign for autism spectrum disorder because it has been identified in >5% of European (non-Finnish) chromosomes by ExAC.

PreventionGenetics, part of Exact Sciences
Classification: Benign for ATP13A4-related condition. Last evaluated: 2020-09-04. Review status: no assertion criteria provided. Collection method: clinical testing. Allele origin: germline. Not counted in ClinVar's aggregate classification.
Comment: This variant is classified as benign based on ACMG/AMP sequence variant interpretation guidelines (Richards et al. 2015 PMID: 25741868, with internal and published modifications).

Dr. Peter K. Rogan Lab, Western University
No classification provided (evidence only). Condition: Colorectal cancer. Review status: no classification provided. Collection method: in vitro. Allele origin: not applicable. Functional consequence: retained intron. Not counted in ClinVar's aggregate classification.

Dr. Peter K. Rogan Lab, Western University
No classification provided (evidence only). Condition: Colorectal cancer. Review status: no classification provided. Collection method: in vitro. Allele origin: not applicable. Functional consequence: retained intron. Not counted in ClinVar's aggregate classification.

Dr. Peter K. Rogan Lab, Western University
No classification provided (evidence only). Condition: Thymoma. Review status: no classification provided. Collection method: in vitro. Allele origin: not applicable. Functional consequence: retained intron. Not counted in ClinVar's aggregate classification.

Dr. Peter K. Rogan Lab, Western University
No classification provided (evidence only). Condition: Cholangiocarcinoma. Review status: no classification provided. Collection method: in vitro. Allele origin: not applicable. Functional consequence: retained intron. Not counted in ClinVar's aggregate classification.